The following is an entry in ClinVar:

ClinVar aggregate classification (germline): Likely pathogenic. Review status: reviewed by expert panel (3 of 4 stars). 4 submissions from 4 submitters: Likely pathogenic (1). 3 of the submissions do not count toward it. Last evaluated 2025-05-15.

Conditions:
Familial adenomatous polyposis 1 (FAP1). Also called: POLYPOSIS, ADENOMATOUS INTESTINAL; FAMILIAL ADENOMATOUS POLYPOSIS 1, ATTENUATED. Identifiers: MedGen C2713442, MONDO:0021056, OMIM 175100. Disease mechanism: loss of function.

Submissions (4):

ClinGen InSiGHT Hereditary Colorectal Cancer/Polyposis Variant Curation Expert Panel
Classification: Likely pathogenic for Familial adenomatous polyposis 1. Last evaluated: 2025-05-15. Review status: reviewed by expert panel. Criteria: ClinGen InSiGHT HCCP VCEP ACMG Specifications APC V1. Collection method: curation. Allele origin: germline. Inheritance: Autosomal dominant inheritance.
Comment: The NM_000038.6(APC):c.835-7T>G variant in APC is an intronic variant in intron 8. This variant has been reported in 3 families meeting phenotypic criteria, resulting in a total phenotype score of 2.5 (PS4_Moderate, PMID: 18433509, internal data Labcorp Genetics (formerly Invitae)). This variant is absent from gnomAD v2.1.1 (PM2_Supporting). The results from ≥ 2 in silico splicing predictors (SpliceAI and MaxEnt) indicate that this variant may affect splicing by disrupting the acceptor splice site of intron 8 and creating a cryptic acceptor splice site (PP3). RT-PCR sequencing of cDNA demonstrated that the variant impacts splicing by insertion of the last six bases of intron 8 between exon 8 and 9, the second inserted codon is a stop codon. However, relative quantitation of full-length normal transcript versus mutant was not performed (PS3_Moderate, PMID 18433509). In summary, this variant is a Likely Pathogenic variant for autosomal-dominant inherited FAP based on the ACMG/AMP criteria applied, as specified by the ClinGen InSiGHT Hereditary Colorectal Cancer/Polyposis VCEP: PS4_Moderate, PS3_Moderate, PM2_Supporting and PP3 applied (VCEP specifications version v2.1.0; date of approval 11/24/2023).

Labcorp Genetics (formerly Invitae), Labcorp
Classification: Likely pathogenic for Familial adenomatous polyposis 1. Last evaluated: 2023-09-20. Review status: criteria provided, single submitter. Criteria: Invitae Variant Classification Sherloc (09022015). Collection method: clinical testing. Allele origin: germline. Not counted in ClinVar's aggregate classification.
Comment: In summary, the currently available evidence indicates that the variant is pathogenic, but additional data are needed to prove that conclusively. Therefore, this variant has been classified as Likely Pathogenic. Studies have shown that this variant results in altered splicing and introduces a premature termination codon (PMID: 18433509). The resulting mRNA is expected to undergo nonsense-mediated decay. ClinVar contains an entry for this variant (Variation ID: 433614). This variant has been observed in individuals with familial adenomatous polyposis (PMID: 18433509; Invitae). This variant is not present in population databases (gnomAD no frequency). This sequence change falls in intron 8 of the APC gene. It does not directly change the encoded amino acid sequence of the APC protein. RNA analysis indicates that this variant induces altered splicing and may result in an absent or disrupted protein product.

Myriad Genetics, Inc.
Classification: Likely pathogenic for Familial adenomatous polyposis 1. Last evaluated: 2023-04-27. Review status: criteria provided, single submitter. Criteria: Myriad Autosomal Dominant, Autosomal Recessive and X-Linked Classification Criteria (2023). Collection method: clinical testing. Allele origin: unknown. Not counted in ClinVar's aggregate classification.
Comment: This variant is considered likely pathogenic. mRNA analysis has demonstrated abnormal mRNA splicing occurs [PMID: 18433509, 20649969, Myriad internal data].

Department of Pathology and Laboratory Medicine, Sinai Health System
Classification: Likely pathogenic. Review status: no assertion criteria provided. Collection method: clinical testing. Allele origin: unknown. Affected: yes. Study: The Canadian Open Genetics Repository (COGR). Not counted in ClinVar's aggregate classification.
Comment: The APC c.835-7T>G variant was identified in 1 of 192 proband chromosomes (frequency 0.005) from individuals with familial adenomatous polyposis (FAP) (Kanter-Smoler 2008) and was also identified in the HGMD and the â€šÃ„ÃºInSIGHT Colon Cancer Databasesâ€šÃ„Ã¹. The variant was not identified in dbSNP, Clinvitae database COSMIC, Zhejiang Colon Cancer Database (LOVD), ClinVar database, Clinvitae, GeneInsight-COGR databases, UMD, The NHLBI GO Exome Sequencing Project, the genome aggregation consortium (Feb 27, 2017), and the Exome Aggregation Consortium database (August 8, 2016). The variant is located in the 3' splice region but does not affect the invariant -1 and -2 positions. However, positions -3 and -5 to -12 are part of the splicing consensus sequence and variants involving these positions sometimes affect splicing. In silico or computational prediction software (SpliceSiteFinder, MaxEntScan, NNSPLICE, GeneSplicer, HumanSpliceFinder) predicts a greater than 10% difference in splicing, with 4 of 5 different programs predicting the abolishment of the known splicing acceptor site at nucleotide position c.835, and 2 of 5 predicting the creation of a splicing acceptor site at the position of the variant, c.835-7. Additionally, Kanter-Smoler (2008) detected an aberrant APC polypeptide pattern produced by this variant in an RNA-based protein truncation test. The authors of this study suggest that this base substitution introduces a new splice acceptor site which is apparently preferred by the splicing machinery and results in the inclusion of the last six bases of intron 10 (alias exon 7) causing a frameshift, which alters the protein's amino acid sequence and results in a premature termination codon downstream. In summary, based on the above information, the clinical significance of this variant cannot be determined with certainty at this time although we would lean towards a more pathogenic role for this variant. This variant is classified as likely pathogenic.

Literature cited by the submitters: PubMed 18433509 (cited by Labcorp Genetics (formerly Invitae), Labcorp and Myriad Genetics, Inc.); PubMed 20649969 (cited by Myriad Genetics, Inc.).

NM_000038.6(APC):c.835-7T>G

Gene: APC (APC regulator of Wnt signaling pathway; plus strand). Cytogenetic location: 5q22.2.
Variant type: single nucleotide variant.
Coding change: c.835-7T>G on transcript NM_000038.6 (MANE Select); 7 bases into the intron before coding-DNA position 835, T replaced by G.
Molecular consequence: intron variant.
Genome position (GRCh38, 1-based): chr5:112,815,488, T>G. VCF-style: chr5-112815488-T-G. GRCh37 (hg19) VCF-style: chr5-112151185-T-G.
Other names: c.835-7T>G (NM_001354895.2, NM_001127510.3, NM_001354896.2 and 1 more transcripts); c.865-7T>G (NM_001354897.2, NM_001354902.2); c.781-7T>G (NM_001127511.3); c.760-7T>G (NM_001354898.2, NM_001354904.2); c.-15-7T>G (NM_001354906.2); c.751-7T>G (NM_001354899.2); c.658-7T>G (NM_001354900.2, NM_001354901.2, NM_001354905.2).
Identifiers: ClinVar variation 433614 (VCV000433614.15), dbSNP rs1554079128, ClinGen allele CA645372415.
Genomic context (GRCh38, chr5:112,815,488, plus strand): 5'-TAACATGATGTTATCTGTATTTACCTATAGTCTAAATTATACCATCTATAATGTGCTTAA[T>G]TTTTAGGGTTCAACTACACGAATGGACCATGAAACAGCCAGTGTTTTGAGTTCTAGTAGC-3'